The following is an entry in ClinVar:

ClinVar aggregate classification (germline): Benign/Likely benign. Review status: criteria provided, multiple submitters, no conflicts (2 of 4 stars). 9 submissions from 7 submitters: Benign (6); Likely benign (2). 1 of the submissions does not count toward it. Last evaluated 2026-02-04.

Conditions:
Usher syndrome type 1 (USH1). Also called: RETINITIS PIGMENTOSA AND CONGENITAL DEAFNESS. Identifiers: Orphanet 231169, Orphanet 886, MedGen C1568247, MONDO:0010168, OMIM 276900.
Usher syndrome type 1B (USH1B). Also called: Usher syndrome type IB. Identifiers: MedGen C1848638, MONDO:0700087.
Autosomal recessive nonsyndromic hearing loss 2. Also called: DEAFNESS, AUTOSOMAL RECESSIVE 2; NEUROSENSORY NONSYNDROMIC RECESSIVE DEAFNESS 2. Identifiers: Orphanet 90636, MedGen C1838701, MONDO:0010807, OMIM 600060.
Autosomal dominant nonsyndromic hearing loss 11. Identifiers: Orphanet 90635, MedGen C1832475, MONDO:0011032, OMIM 601317.

Allele frequency attached by ClinVar (database versions not stated): gnomAD exomes 0.00284 and 0.00709; ExAC 0.01670; ESP Exome Variant Server 0.02564; gnomAD 0.02851 and 0.03072; 1000 Genomes Project 0.03015; 1000 Genomes Project 30x 0.03154; TOPMed 0.03206.
gnomAD v4.1: 8,558 of 1,580,324 alleles (0.54%); highest among the groups gnomAD compares: African/African-American, 9.9%; 390 homozygotes.

Submissions (9):

Labcorp Genetics (formerly Invitae), Labcorp
Classification: Benign. Last evaluated: 2026-02-04. Review status: criteria provided, single submitter. Criteria: Invitae Variant Classification Sherloc (09022015). Collection method: clinical testing. Allele origin: germline.

Eurofins Ntd Llc (ga)
Classification: Benign. Last evaluated: 2018-09-11. Review status: criteria provided, single submitter. Criteria: EGL ClinVar v180209 classification definitions. Collection method: clinical testing. Allele origin: germline. Observed: 1 variant allele, 1 heterozygote.

Illumina Laboratory Services, Illumina
Classification: Benign for Autosomal dominant nonsyndromic hearing loss 11. Last evaluated: 2018-01-13. Review status: criteria provided, single submitter. Criteria: ICSL Variant Classification Criteria 13 December 2019. Collection method: clinical testing. Allele origin: germline.
Comment: This variant was observed in the ICSL laboratory as part of a predisposition screen in an ostensibly healthy population. It had not been previously curated by ICSL or reported in the Human Gene Mutation Database (HGMD: prior to June 1st, 2018), and was therefore a candidate for classification through an automated scoring system. Utilizing variant allele frequency, disease prevalence and penetrance estimates, and inheritance mode, an automated score was calculated to assess if this variant is too frequent to cause the disease. Based on the score and internal cut-off values, a variant classified as benign is not then subjected to further curation. The score for this variant resulted in a classification of benign for this disease.

Illumina Laboratory Services, Illumina
Classification: Likely benign for Autosomal recessive nonsyndromic hearing loss 2. Last evaluated: 2018-01-13. Review status: criteria provided, single submitter. Criteria: ICSL Variant Classification Criteria 13 December 2019. Collection method: clinical testing. Allele origin: germline.
Comment: This variant was observed in the ICSL laboratory as part of a predisposition screen in an ostensibly healthy population. It had not been previously curated by ICSL or reported in the Human Gene Mutation Database (HGMD: prior to June 1st, 2018), and was therefore a candidate for classification through an automated scoring system. Utilizing variant allele frequency, disease prevalence and penetrance estimates, and inheritance mode, an automated score was calculated to assess if this variant is too frequent to cause the disease. Based on the score and internal cut-off values, a variant classified as likely benign is not then subjected to further curation. The score for this variant resulted in a classification of likely benign for this disease.

Illumina Laboratory Services, Illumina
Classification: Benign for Usher syndrome type 1. Last evaluated: 2018-01-13. Review status: criteria provided, single submitter. Criteria: ICSL Variant Classification Criteria 13 December 2019. Collection method: clinical testing. Allele origin: germline.
Comment: the same text as in the submission from Illumina Laboratory Services, Illumina above.

GeneDx
Classification: Benign. Last evaluated: 2017-05-09. Review status: criteria provided, single submitter. Criteria: GeneDx Variant Classification (06012015). Collection method: clinical testing. Allele origin: germline. Affected: yes.
Comment: This variant is considered likely benign or benign based on one or more of the following criteria: it is a conservative change, it occurs at a poorly conserved position in the protein, it is predicted to be benign by multiple in silico algorithms, and/or has population frequency not consistent with disease.

Laboratory for Molecular Medicine, Mass General Brigham Personalized Medicine
Classification: Benign. Last evaluated: 2009-06-30. Review status: criteria provided, single submitter. Criteria: LMM Criteria. Collection method: clinical testing. Allele origin: germline. Observed: 40 variant alleles.

Breakthrough Genomics
Classification: Likely benign. Review status: criteria provided, single submitter. Criteria: ACMG Guidelines, 2015. Collection method: not provided. Allele origin: germline. Inheritance: Autosomal recessive inheritance. Affected: yes.

Natera, Inc.
Classification: Benign for Usher syndrome type 1B. Last evaluated: 2020-09-16. Review status: no assertion criteria provided. Collection method: clinical testing. Allele origin: germline. Not counted in ClinVar's aggregate classification.

NM_000260.4(MYO7A):c.6424G>A (p.Asp2142Asn)

Gene: MYO7A (myosin VIIA; plus strand). Cytogenetic location: 11q13.5.
Variant type: single nucleotide variant.
Coding change: c.6424G>A on transcript NM_000260.4 (MANE Select); coding-DNA position 6424, G replaced by A.
Protein change: p.Asp2142Asn; replaces aspartic acid 2142 with asparagine.
Molecular consequence: missense variant.
Genome position (GRCh38, 1-based): chr11:77,213,021, G>A. VCF-style: chr11-77213021-G-A. GRCh37 (hg19) VCF-style: chr11-76924066-G-A.
Other names: c.6304G>A, p.Asp2102Asn (NM_001127180.2); c.6277G>A, p.Asp2093Asn (NM_001369365.1); short protein forms D2142N, D2102N, D2093N.
Identifiers: ClinVar variation 43328 (VCV000043328.23), dbSNP rs1132036, ClinGen allele CA132434.